The following is an entry in ClinVar:

NM_001370466.1(NOD2):c.3017G>T (p.Cys1006Phe)

Genes: CYLD-AS1 (CYLD antisense RNA 1; minus strand), NOD2 (nucleotide binding oligomerization domain containing 2; plus strand). Cytogenetic location: 16q12.1.
Variant type: single nucleotide variant.
Coding change: c.3017G>T on transcript NM_001370466.1 (MANE Select); coding-DNA position 3017, G replaced by T.
Protein change: p.Cys1006Phe; replaces cysteine 1006 with phenylalanine.
Molecular consequence: missense variant. On other transcripts: non-coding transcript variant (1).
Genome position (GRCh38, 1-based): chr16:50,731,794, G>T. VCF-style: chr16-50731794-G-T. GRCh37 (hg19) VCF-style: chr16-50765705-G-T.
Other names: c.3017G>T, p.Cys1006Phe (NM_001293557.2); c.3098G>T, p.Cys1033Phe (NM_022162.3); short protein forms C1033F, C1006F.
Identifiers: ClinVar variation 4792838 (VCV004792838.1).

ClinVar aggregate classification (germline): Uncertain significance (1 of 4 stars; one submission).

Conditions:
Regional enteritis. Also called: Enteritis, Granulomatous. Identifiers: MedGen C0678202, MeSH D003424.
Blau syndrome (BLAUS). Also called: ARTHROCUTANEOUVEAL GRANULOMATOSIS; GRANULOMATOSIS, FAMILIAL JUVENILE SYSTEMIC; GRANULOMATOSIS, FAMILIAL, BLAU TYPE; GRANULOMATOUS INFLAMMATORY ARTHRITIS, DERMATITIS, AND UVEITIS, FAMILIAL; JABS SYNDROME. Identifiers: Orphanet 90340, MedGen C5201146, MONDO:0008523, OMIM 186580.

Submission:

Labcorp Genetics (formerly Invitae), Labcorp
Classification: Uncertain significance for Regional enteritis; Blau syndrome. Last evaluated: 2025-07-06. Review status: criteria provided, single submitter. Criteria: Invitae Variant Classification Sherloc (09022015). Collection method: clinical testing. Allele origin: germline.
Comment: This sequence change replaces cysteine, which is neutral and slightly polar, with phenylalanine, which is neutral and non-polar, at codon 1033 of the NOD2 protein (p.Cys1033Phe). This variant is not present in population databases (gnomAD no frequency). This variant has not been reported in the literature in individuals affected with NOD2-related conditions. Invitae Evidence Modeling of protein sequence and biophysical properties (such as structural, functional, and spatial information, amino acid conservation, physicochemical variation, residue mobility, and thermodynamic stability) indicates that this missense variant is not expected to disrupt NOD2 protein function with a negative predictive value of 95%. In summary, the available evidence is currently insufficient to determine the role of this variant in disease. Therefore, it has been classified as a Variant of Uncertain Significance.